The following is an entry in ClinVar:

NM_020699.4(GATAD2B):c.836C>T (p.Pro279Leu)

Gene: GATAD2B (GATA zinc finger domain containing 2B; minus strand). Cytogenetic location: 1q21.3.
Variant type: single nucleotide variant.
Coding change: c.836C>T on transcript NM_020699.4 (MANE Select); coding-DNA position 836, C replaced by T.
Protein change: p.Pro279Leu; replaces proline 279 with leucine.
Molecular consequence: missense variant.
Genome position (GRCh38, 1-based): chr1:153,817,436, G>A on the plus strand (C>T on the coding strand, the complement: GATAD2B is on the minus strand). VCF-style: chr1-153817436-G-A. GRCh37 (hg19) VCF-style: chr1-153789912-G-A.
Other names: c.836C>T (NM_020699.2); short protein forms P279L.
Identifiers: ClinVar variation 1448131 (VCV001448131.7), dbSNP rs746927261, ClinGen allele CA1120761.

ClinVar aggregate classification (germline): Conflicting classifications of pathogenicity. Review status: criteria provided, conflicting classifications (1 of 4 stars). 2 submissions from 2 submitters: Uncertain significance (1); Likely benign (1). Last evaluated 2024-07-25.

Conditions:
Inborn genetic diseases. Identifiers: MedGen C0950123, MeSH D030342.

Allele frequency attached by ClinVar (database versions not stated): gnomAD 0.00001 and 0.00002; ExAC 0.00005; TOPMed 0.00003; gnomAD exomes 0.00004.
gnomAD v4.1: 23 of 1,612,066 alleles (0.0014%); highest among the groups gnomAD compares: East Asian, 0.0089%; no homozygotes.

Submissions (2):

Ambry Genetics
Classification: Likely benign for Inborn genetic diseases. Last evaluated: 2024-07-25. Review status: criteria provided, single submitter. Criteria: Ambry Variant Classification Scheme 2023. Collection method: clinical testing. Allele origin: germline.

Labcorp Genetics (formerly Invitae), Labcorp
Classification: Uncertain significance. Last evaluated: 2022-08-15. Review status: criteria provided, single submitter. Criteria: Invitae Variant Classification Sherloc (09022015). Collection method: clinical testing. Allele origin: germline.
Comment: This sequence change replaces proline, which is neutral and non-polar, with leucine, which is neutral and non-polar, at codon 279 of the GATAD2B protein (p.Pro279Leu). This variant is present in population databases (rs746927261, gnomAD 0.02%). This variant has not been reported in the literature in individuals affected with GATAD2B-related conditions. ClinVar contains an entry for this variant (Variation ID: 1448131). Algorithms developed to predict the effect of missense changes on protein structure and function are either unavailable or do not agree on the potential impact of this missense change (SIFT: "Not Available"; PolyPhen-2: "Benign"; Align-GVGD: "Not Available"). In summary, the available evidence is currently insufficient to determine the role of this variant in disease. Therefore, it has been classified as a Variant of Uncertain Significance.